The following is an entry in ClinVar:

NM_014336.5(AIPL1):c.96+18G>A

Gene: AIPL1 (AIP like 1 HSP90 co-chaperone; minus strand). Cytogenetic location: 17p13.2.
Variant type: single nucleotide variant.
Coding change: c.96+18G>A on transcript NM_014336.5 (MANE Select); 18 bases into the intron after coding-DNA position 96, G replaced by A.
Molecular consequence: intron variant. On other transcripts: 5 prime UTR variant (1).
Genome position (GRCh38, 1-based): chr17:6,434,991, C>T on the plus strand (G>A on the coding strand, the complement: AIPL1 is on the minus strand). VCF-style: chr17-6434991-C-T. GRCh37 (hg19) VCF-style: chr17-6338311-C-T.
Other names: c.-62G>A (NM_001285402.2); c.96+18G>A (NM_001033055.3, NM_001285400.3, NM_001285399.3 and 3 more transcripts).
Identifiers: ClinVar variation 1448695 (VCV001448695.3), dbSNP rs756817688, ClinGen allele CA8328664.

ClinVar aggregate classification (germline): Uncertain significance (1 of 4 stars; one submission).

Conditions:
Leber congenital amaurosis 4 (LCA4). Identifiers: MedGen C1858386, MONDO:0011458, OMIM 604393.

Allele frequency attached by ClinVar (database versions not stated): ExAC 0.00001; gnomAD exomes 0.00001; TOPMed 0.00003; gnomAD 0.00004.
gnomAD v4.1: 11 of 1,613,944 alleles (0.00068%); highest among the groups gnomAD compares: African/African-American, 0.0067%; no homozygotes.

Submission:

Labcorp Genetics (formerly Invitae), Labcorp
Classification: Uncertain significance for Leber congenital amaurosis 4. Last evaluated: 2022-10-05. Review status: criteria provided, single submitter. Criteria: Invitae Variant Classification Sherloc (09022015). Collection method: clinical testing. Allele origin: germline.
Comment: This sequence change falls in intron 1 of the AIPL1 gene. It does not directly change the encoded amino acid sequence of the AIPL1 protein. This variant is present in population databases (rs756817688, gnomAD 0.004%). This variant has not been reported in the literature in individuals affected with AIPL1-related conditions. ClinVar contains an entry for this variant (Variation ID: 1448695). Algorithms developed to predict the effect of sequence changes on RNA splicing suggest that this variant may disrupt the consensus splice site. In summary, the available evidence is currently insufficient to determine the role of this variant in disease. Therefore, it has been classified as a Variant of Uncertain Significance.